The following is an entry in ClinVar:

NM_004278.4(PIGL):c.346G>A (p.Asp116Asn)

Gene: PIGL (phosphatidylinositol glycan anchor biosynthesis class L; plus strand). Cytogenetic location: 17p11.2.
Variant type: single nucleotide variant.
Coding change: c.346G>A on transcript NM_004278.4 (MANE Select); coding-DNA position 346, G replaced by A.
Protein change: p.Asp116Asn; replaces aspartic acid 116 with asparagine.
Molecular consequence: missense variant.
Genome position (GRCh38, 1-based): chr17:16,299,898, G>A. VCF-style: chr17-16299898-G-A. GRCh37 (hg19) VCF-style: chr17-16203212-G-A.
Other names: short protein forms D116N.
Identifiers: ClinVar variation 647559 (VCV000647559.6), dbSNP rs750878825, ClinGen allele CA8409874.

ClinVar aggregate classification (germline): Uncertain significance. Review status: criteria provided, multiple submitters, no conflicts (2 of 4 stars). 2 submissions from 2 submitters: Uncertain significance (2). Last evaluated 2025-03-03.

Conditions:
Inborn genetic diseases. Identifiers: MedGen C0950123, MeSH D030342.

Allele frequency attached by ClinVar (database versions not stated): gnomAD exomes below 0.00001; ExAC 0.00001.

Submissions (2):

Ambry Genetics
Classification: Uncertain significance for Inborn genetic diseases. Last evaluated: 2025-03-03. Review status: criteria provided, single submitter. Criteria: Ambry Variant Classification Scheme 2023. Collection method: clinical testing. Allele origin: germline.

Labcorp Genetics (formerly Invitae), Labcorp
Classification: Uncertain significance. Last evaluated: 2018-08-09. Review status: criteria provided, single submitter. Criteria: Invitae Variant Classification Sherloc (09022015). Collection method: clinical testing. Allele origin: germline.
Comment: In summary, the available evidence is currently insufficient to determine the role of this variant in disease. Therefore, it has been classified as a Variant of Uncertain Significance. Algorithms developed to predict the effect of missense changes on protein structure and function are either unavailable or do not agree on the potential impact of this missense change (SIFT: "Deleterious"; PolyPhen-2: "Probably Damaging"; Align-GVGD: "Class C15"). This sequence change replaces aspartic acid with asparagine at codon 116 of the PIGL protein (p.Asp116Asn). The aspartic acid residue is highly conserved and there is a small physicochemical difference between aspartic acid and asparagine. This variant is present in population databases (rs750878825, ExAC 0.01%). This variant has not been reported in the literature in individuals with PIGL-related disease.